The following is an entry in ClinVar:

NM_001348738.2(KIDINS220):c.4031C>T (p.Ser1344Leu)

Gene: KIDINS220 (kinase D interacting substrate 220; minus strand). Cytogenetic location: 2p25.1.
Variant type: single nucleotide variant.
Coding change: c.4031C>T on transcript NM_001348738.2; coding-DNA position 4031, C replaced by T.
Protein change: p.Ser1344Leu; replaces serine 1344 with leucine.
Molecular consequence: missense variant. On other transcripts: non-coding transcript variant (2).
Genome position (GRCh38, 1-based): chr2:8,726,909, G>A on the plus strand (C>T on the coding strand, the complement: KIDINS220 is on the minus strand). VCF-style: chr2-8726909-G-A. GRCh37 (hg19) VCF-style: chr2-8867039-G-A.
Other names: c.3920C>T, p.Ser1307Leu (NM_001348739.2, NM_001348740.2); c.3917C>T, p.Ser1306Leu (NM_001348741.2, NM_001348742.2, NM_001348743.2); short protein forms S1307L, S1306L, S1344L.
Identifiers: ClinVar variation 5002650 (VCV005002650.1).

ClinVar aggregate classification (germline): Uncertain significance (1 of 4 stars; one submission).

Conditions:
KIDINS220-related disorder. Also called: KIDINS220-related condition.

gnomAD v4.1: 5 of 1,288,928 alleles (0.00039%); highest among the groups gnomAD compares: South Asian, 0.0025%; no homozygotes.

Submission:

PreventionGenetics, part of Exact Sciences
Classification: Uncertain significance for KIDINS220-related condition. Last evaluated: 2024-10-23. Review status: criteria provided, single submitter. Criteria: ACMG Guidelines, 2015. Collection method: clinical testing. Allele origin: germline.
Comment: The KIDINS220 c.4031C>T variant is predicted to result in the amino acid substitution p.Ser1344Leu. To our knowledge, this variant has not been reported in the literature or in a large population database (gnomAD), indicating this variant is rare. At this time, the clinical significance of this variant is uncertain due to the absence of conclusive functional and genetic evidence.